The following is an entry in ClinVar:

ClinVar aggregate classification (germline): Uncertain significance (0 of 4 stars; one submission).

Conditions:
ADCY3-related disorder. Also called: ADCY3-related condition.

gnomAD v4.1: 13 of 1,614,088 alleles (0.00081%); highest among the groups gnomAD compares: Non-Finnish European, 0.0011%; no homozygotes.

Submission:

PreventionGenetics, part of Exact Sciences
Classification: Uncertain significance for ADCY3-related condition. Last evaluated: 2023-10-18. Review status: no assertion criteria provided. Collection method: clinical testing. Allele origin: germline.
Comment: The ADCY3 c.2251C>A variant is predicted to result in the amino acid substitution p.Pro751Thr. To our knowledge, this variant has not been reported in the literature or in a large population database, indicating this variant is rare. At this time, the clinical significance of this variant is uncertain due to the absence of conclusive functional and genetic evidence.

NM_004036.5(ADCY3):c.2251C>A (p.Pro751Thr)

Gene: ADCY3 (adenylate cyclase 3; minus strand). Cytogenetic location: 2p23.3.
Variant type: single nucleotide variant.
Coding change: c.2251C>A on transcript NM_004036.5 (MANE Select); coding-DNA position 2251, C replaced by A.
Protein change: p.Pro751Thr; replaces proline 751 with threonine.
Molecular consequence: missense variant. On other transcripts: intron variant (2).
Genome position (GRCh38, 1-based): chr2:24,828,083, G>T on the plus strand (C>A on the coding strand, the complement: ADCY3 is on the minus strand). VCF-style: chr2-24828083-G-T. GRCh37 (hg19) VCF-style: chr2-25050952-G-T.
Other names: c.2251C>A, p.Pro751Thr (NM_001320613.2, NM_001377132.1); c.2317C>A, p.Pro773Thr (NM_001377128.1); c.1528C>A, p.Pro510Thr (NM_001377131.1); c.2172+2626C>A (NM_001377130.1); c.2173-60C>A (NM_001377129.1); short protein forms P510T, P751T, P773T.
Identifiers: ClinVar variation 3355036 (VCV003355036.1).
Genomic context (GRCh38, chr2:24,828,083, plus strand): 5'-CCTGCACCAGCATGATGGTGGCGATGAGGGACAGCACGGCCACATAGTTGTAATACTTGG[G>T]GTTCTCCAGGCAGCTGCCCTCCGTTTCCATCCCTGCCGTTGCATTGCTGGGTCCCGTGTA-3'
Protein context (NP_004027.2, residues 741-761): METEGSCLEN[Pro751Thr]KYYNYVAVLS